The following is an entry in ClinVar:

NM_001958.5(EEF1A2):c.431G>C (p.Gly144Ala)

Genes: EEF1A2 (eukaryotic translation elongation factor 1 alpha 2; minus strand), LOC132090595 (Neanderthal introgressed variant-containing enhancer experimental_60987; plus strand). Cytogenetic location: 20q13.33.
Variant type: single nucleotide variant.
Coding change: c.431G>C on transcript NM_001958.5 (MANE Select); coding-DNA position 431, G replaced by C.
Protein change: p.Gly144Ala; replaces glycine 144 with alanine.
Molecular consequence: missense variant.
Genome position (GRCh38, 1-based): chr20:63,494,995, C>G on the plus strand (G>C on the coding strand, the complement: EEF1A2 is on the minus strand). VCF-style: chr20-63494995-C-G. GRCh37 (hg19) VCF-style: chr20-62126348-C-G.
Other names: short protein forms G144A.
Identifiers: ClinVar variation 2663394 (VCV002663394.1), dbSNP rs2516783357, ClinGen allele CA409650104.

ClinVar aggregate classification (germline): Uncertain significance (1 of 4 stars; one submission).

Submission:

GeneDx
Classification: Uncertain significance. Last evaluated: 2023-05-05. Review status: criteria provided, single submitter. Criteria: GeneDx Variant Classification Process June 2021. Collection method: clinical testing. Allele origin: germline. Affected: yes.
Comment: Not observed at significant frequency in large population cohorts (gnomAD); In silico analysis supports that this missense variant has a deleterious effect on protein structure/function; Has not been previously published as pathogenic or benign to our knowledge